The following is an entry in ClinVar:

ClinVar aggregate classification (germline): Uncertain significance (1 of 4 stars; one submission).

gnomAD v4.1: 1 of 1,365,186 alleles (0.000073%); highest among the groups gnomAD compares: Admixed American, 0.0029%; no homozygotes.

Submission:

GeneDx
Classification: Uncertain significance. Last evaluated: 2026-09-08. Review status: criteria provided, single submitter. Criteria: GeneDx Variant Classification Process June 2021. Collection method: clinical testing. Allele origin: germline.
Comment: Not observed at significant frequency in large population cohorts (gnomAD); In silico analysis suggests that this missense variant does not alter protein structure/function; Has not been previously published as pathogenic or benign to our knowledge

NM_170682.4(P2RX2):c.40G>C (p.Ala14Pro)

Gene: P2RX2 (purinergic receptor P2X 2; plus strand). Cytogenetic location: 12q24.33.
Variant type: single nucleotide variant.
Coding change: c.40G>C on transcript NM_170682.4 (MANE Select); coding-DNA position 40, G replaced by C.
Protein change: p.Ala14Pro; replaces alanine 14 with proline.
Molecular consequence: missense variant.
Genome position (GRCh38, 1-based): chr12:132,618,856, G>C. VCF-style: chr12-132618856-G-C. GRCh37 (hg19) VCF-style: chr12-133195442-G-C.
Other names: c.40G>C, p.Ala14Pro (NM_001282164.2, NM_001282165.2, NM_012226.5 and 4 more transcripts); short protein forms A14P.
Identifiers: ClinVar variation 1804404 (VCV001804404.2), dbSNP rs1286367250, ClinGen allele CA387356605.